The following is an entry in ClinVar:

ClinVar aggregate classification (germline): Pathogenic (1 of 4 stars; one submission).

Conditions:
Sitosterolemia 1. Identifiers: MedGen C2749759, MONDO:0020747, OMIM 210250.

Submission:

Women's Health and Genetics/Laboratory Corporation of America, LabCorp
Classification: Pathogenic for Sitosterolemia 1. Last evaluated: 2026-04-14. Review status: criteria provided, single submitter. Criteria: LabCorp Variant Classification Summary - May 2015. Collection method: clinical testing. Allele origin: germline.
Comment: Variant summary: The variant involves the deletion of exons 1-13 in the ABCG8 gene. A presumed nomenclature of c.(?_-84)_(*5076_?)del has been designated for the purposes of this classification. This deletion includes the entire coding sequence of the gene. As the exact proximal and distal breakpoints are unknown, it may extend beyond the annotated region of the gene to include other flanking genes. Loss-of-function variants in this gene are known to be pathogenic. The variant was absent in 21694 control chromosomes. To our knowledge, no occurrence of c.(?_-84)_(*5076_?)del in individuals affected with ABCG8-related conditions and no experimental evidence demonstrating its impact on protein function have been reported. No submitters have cited clinical-significance assessments for this variant to ClinVar. Based on the evidence outlined above, the variant was classified as pathogenic.

NC_000002.11:g.(?_44066109)_(44110128_?)del

Gene: ABCG8 (ATP binding cassette subfamily G member 8; plus strand). Cytogenetic location: 2p21.
Variant type: Deletion.
Identifiers: ClinVar variation 4848608 (VCV004848608.1).